The following is an entry in ClinVar:

ClinVar aggregate classification (germline): Likely benign. Review status: criteria provided, multiple submitters, no conflicts (2 of 4 stars). 3 submissions from 3 submitters: Likely benign (3). Last evaluated 2025-09-04.

Conditions:
Early-infantile DEE. Also called: Early infantile epileptic encephalopathy; Ohtahara syndrome; Early infantile epileptic encephalopathy with suppression bursts. Identifiers: Orphanet 1934, MedGen C0393706, MONDO:0800491.

Allele frequency attached by ClinVar (database versions not stated): gnomAD exomes 0.00002 and 0.00003; TOPMed below 0.00001; gnomAD 0.00001; ExAC 0.00002.
gnomAD v4.1: 18 of 1,612,430 alleles (0.0011%); highest among the groups gnomAD compares: Non-Finnish European, 0.0014%; no homozygotes.

Submissions (3):

Labcorp Genetics (formerly Invitae), Labcorp
Classification: Likely benign for Early-infantile DEE. Last evaluated: 2025-09-04. Review status: criteria provided, single submitter. Criteria: Invitae Variant Classification Sherloc (09022015). Collection method: clinical testing. Allele origin: germline.

CeGaT Center for Human Genetics Tuebingen
Classification: Likely benign. Last evaluated: 2025-08-01. Review status: criteria provided, single submitter. Criteria: CeGaT Center For Human Genetics Tuebingen Variant Classification Criteria Version 2. Collection method: clinical testing. Allele origin: germline. Affected: yes. Observed: 3 variant alleles.
Comment: SCN1A: BP4, BP7

Blueprint Genetics
Classification: Likely benign. Last evaluated: 2024-11-12. Review status: criteria provided, single submitter. Criteria: ACMG Guidelines, 2015. Collection method: clinical testing. Allele origin: germline.

NM_001165963.4(SCN1A):c.643T>C (p.Leu215=)

Gene: SCN1A (sodium voltage-gated channel alpha subunit 1; minus strand). Cytogenetic location: 2q24.3.
Variant type: single nucleotide variant.
Coding change: c.643T>C on transcript NM_001165963.4 (MANE Select); coding-DNA position 643, T replaced by C.
Protein change: p.Leu215=; no amino-acid change (leucine 215 retained).
Molecular consequence: synonymous variant. On other transcripts: 5 prime UTR variant (1), non-coding transcript variant (1).
Genome position (GRCh38, 1-based): chr2:166,052,903, A>G on the plus strand (T>C on the coding strand, the complement: SCN1A is on the minus strand). VCF-style: chr2-166052903-A-G. GRCh37 (hg19) VCF-style: chr2-166909413-A-G.
Other names: c.643T>C, p.Leu215= (NM_001165964.3, NM_001202435.3, NM_001353948.2 and 10 more transcripts); c.-1783T>C (NM_001353961.2).
Identifiers: ClinVar variation 546877 (VCV000546877.50), dbSNP rs779837260, ClinGen allele CA1943467.